The following is an entry in ClinVar:

NM_000051.4(ATM):c.3788G>T (p.Ser1263Ile)

Gene: ATM (ATM serine/threonine kinase; plus strand). Cytogenetic location: 11q22.3.
Variant type: single nucleotide variant.
Coding change: c.3788G>T on transcript NM_000051.4 (MANE Select); coding-DNA position 3788, G replaced by T.
Protein change: p.Ser1263Ile; replaces serine 1263 with isoleucine.
Molecular consequence: missense variant.
Genome position (GRCh38, 1-based): chr11:108,284,268, G>T. VCF-style: chr11-108284268-G-T. GRCh37 (hg19) VCF-style: chr11-108154995-G-T.
Other names: c.3788G>T, p.Ser1263Ile (NM_001351834.2); short protein forms S1263I.
Identifiers: ClinVar variation 851934 (VCV000851934.11), dbSNP rs2082376058, ClinGen allele CA382524583.

ClinVar aggregate classification (germline): Uncertain significance. Review status: criteria provided, multiple submitters, no conflicts (2 of 4 stars). 2 submissions from 2 submitters: Uncertain significance (2). Last evaluated 2025-10-22.

Conditions:
Ataxia-telangiectasia syndrome (AT). Also called: Ataxia-telangiectasia, complementation group E; Cerebello-oculocutaneous telangiectasia; Immunodeficiency with ataxia telangiectasia; Ataxia-telangiectasia, complementation group D; AT, COMPLEMENTATION GROUP C; Ataxia-telangiectasia. Identifiers: Orphanet 100, MedGen C0004135, MONDO:0008840, OMIM 208900.
Hereditary cancer-predisposing syndrome. Also called: Neoplastic Syndromes, Hereditary; Hereditary Cancer Syndrome; Hereditary neoplastic syndrome; Tumor predisposition. Identifiers: Orphanet 140162, MedGen C0027672, MeSH D009386, MONDO:0015356.

Submissions (2):

Ambry Genetics
Classification: Uncertain significance for Hereditary cancer-predisposing syndrome. Last evaluated: 2025-10-22. Review status: criteria provided, single submitter. Criteria: Ambry Variant Classification Scheme 2023. Collection method: clinical testing. Allele origin: germline.
Comment: The p.S1263I variant (also known as c.3788G>T), located in coding exon 25 of the ATM gene, results from a G to T substitution at nucleotide position 3788. The serine at codon 1263 is replaced by isoleucine, an amino acid with dissimilar properties. This amino acid position is conserved. In addition, this alteration is predicted to be tolerated by in silico analysis. Based on the available evidence, the clinical significance of this variant remains unclear.

Labcorp Genetics (formerly Invitae), Labcorp
Classification: Uncertain significance for Ataxia-telangiectasia syndrome. Last evaluated: 2019-12-19. Review status: criteria provided, single submitter. Criteria: Invitae Variant Classification Sherloc (09022015). Collection method: clinical testing. Allele origin: germline.
Comment: This sequence change replaces serine with isoleucine at codon 1263 of the ATM protein (p.Ser1263Ile). The serine residue is weakly conserved and there is a large physicochemical difference between serine and isoleucine. This variant is not present in population databases (ExAC no frequency). This variant has not been reported in the literature in individuals with ATM-related conditions. In summary, the available evidence is currently insufficient to determine the role of this variant in disease. Therefore, it has been classified as a Variant of Uncertain Significance. Algorithms developed to predict the effect of missense changes on protein structure and function (SIFT, PolyPhen-2, Align-GVGD) all suggest that this variant is likely to be tolerated, but these predictions have not been confirmed by published functional studies and their clinical significance is uncertain.